The following is an entry in ClinVar:

ClinVar aggregate classification (germline): Uncertain significance (1 of 4 stars; one submission).

Conditions:
Hereditary nonpolyposis colorectal neoplasms. Identifiers: MedGen C0009405, MeSH D003123.

gnomAD v4.1: 1 of 1,577,858 alleles (0.000063%); highest among the groups gnomAD compares: Non-Finnish European, 0.000086%; no homozygotes.

Submission:

Labcorp Genetics (formerly Invitae), Labcorp
Classification: Uncertain significance for Hereditary nonpolyposis colorectal neoplasms. Last evaluated: 2025-09-28. Review status: criteria provided, single submitter. Criteria: Invitae Variant Classification Sherloc (09022015). Collection method: clinical testing. Allele origin: germline.
Comment: This sequence change replaces glutamic acid, which is acidic and polar, with glutamine, which is neutral and polar, at codon 983 of the MSH6 protein (p.Glu983Gln). This variant is not present in population databases (gnomAD no frequency). This variant has not been reported in the literature in individuals affected with MSH6-related conditions. ClinVar contains an entry for this variant (Variation ID: 3673446). Invitae Evidence Modeling of protein sequence and biophysical properties (such as structural, functional, and spatial information, amino acid conservation, physicochemical variation, residue mobility, and thermodynamic stability) indicates that this missense variant is not expected to disrupt MSH6 protein function with a negative predictive value of 95%. In summary, the available evidence is currently insufficient to determine the role of this variant in disease. Therefore, it has been classified as a Variant of Uncertain Significance.

NM_000179.3(MSH6):c.2947G>C (p.Glu983Gln)

Gene: MSH6 (mutS homolog 6; plus strand). Cytogenetic location: 2p16.3.
Variant type: single nucleotide variant.
Coding change: c.2947G>C on transcript NM_000179.3 (MANE Select); coding-DNA position 2947, G replaced by C.
Protein change: p.Glu983Gln; replaces glutamic acid 983 with glutamine.
Molecular consequence: missense variant. On other transcripts: non-coding transcript variant (5), intron variant (2).
Genome position (GRCh38, 1-based): chr2:47,800,930, G>C. VCF-style: chr2-47800930-G-C. GRCh37 (hg19) VCF-style: chr2-48028069-G-C.
Other names: c.2650G>C, p.Glu884Gln (NM_001406805.1, NM_001406797.1, NM_001406801.1 and 10 more transcripts); c.2422G>C, p.Glu808Gln (NM_001406806.1, NM_001406807.1, NM_001406799.1); c.2947G>C, p.Glu983Gln (NM_001406808.1, NM_001406809.1, NM_001406796.1 and 2 more transcripts); c.2041G>C, p.Glu681Gln (NM_001406811.1, NM_001406812.1, NM_001406814.1 and 6 more transcripts); c.2953G>C, p.Glu985Gln (NM_001406813.1); c.2557G>C, p.Glu853Gln (NM_001281492.2); c.3043G>C, p.Glu1015Gln (NM_001406795.1, NM_001406802.1); c.2869G>C, p.Glu957Gln (NM_001406804.1); and 4 more; short protein forms E298Q, E808Q, E853Q, E884Q, E985Q, E681Q, E957Q, E983Q.
Identifiers: ClinVar variation 3673446 (VCV003673446.2).